The following is an entry in ClinVar:

NM_000304.4(PMP22):c.469C>T (p.Arg157Trp)

Gene: PMP22 (peripheral myelin protein 22; minus strand). Cytogenetic location: 17p12.
Variant type: single nucleotide variant.
Coding change: c.469C>T on transcript NM_000304.4 (MANE Select); coding-DNA position 469, C replaced by T.
Protein change: p.Arg157Trp; replaces arginine 157 with tryptophan.
Molecular consequence: missense variant. On other transcripts: non-coding transcript variant (2).
Genome position (GRCh38, 1-based): chr17:15,230,931, G>A on the plus strand (C>T on the coding strand, the complement: PMP22 is on the minus strand). VCF-style: chr17-15230931-G-A. GRCh37 (hg19) VCF-style: chr17-15134248-G-A.
Other names: c.469C>T, p.Arg157Trp (NM_001281455.2, NM_001281456.2, NM_153321.3 and 1 more transcripts); short protein forms R157W.
Identifiers: ClinVar variation 8444 (VCV000008444.16), dbSNP rs28936682, ClinGen allele CA119628.

ClinVar aggregate classification (germline): Pathogenic/Likely pathogenic. Review status: criteria provided, multiple submitters, no conflicts (2 of 4 stars). 7 submissions from 7 submitters: Pathogenic (3); Likely pathogenic (2). 2 of the submissions do not count toward it. Last evaluated 2025-12-28.

Conditions:
Charcot-Marie-Tooth disease. Also called: Charcot-Marie-Tooth Neuropathy; Charcot-Marie-Tooth Hereditary Neuropathy. Identifiers: Orphanet 166, MedGen C0007959, MONDO:0015626.
Charcot-Marie-Tooth disease, type I (CMT1). Also called: Charcot-Marie-Tooth, Type 1; Charcot-Marie-Tooth disease type 1. Identifiers: Orphanet 65753, MedGen C0751036, MONDO:0019011.
Charcot-Marie-Tooth disease type 1E. Also called: Charcot-Marie-Tooth disease and deafness; CHARCOT-MARIE-TOOTH DISEASE, DEMYELINATING, TYPE 1E; CHARCOT-MARIE-TOOTH NEUROPATHY AND DEAFNESS, AUTOSOMAL DOMINANT; Charcot-Marie-Tooth Neuropathy Type 1E. Identifiers: Orphanet 90658, MedGen C3495591, MONDO:0007311, OMIM 118300.
Dejerine-Sottas disease. Also called: HEREDITARY MOTOR AND SENSORY NEUROPATHY TYPE III; HMSN Type III; Charcot-Marie-Tooth disease type 3; DEJERINE-SOTTAS NEUROPATHY; Hereditary motor and sensory neuropathy 3. Identifiers: Orphanet 64748, MedGen C0011195, MONDO:0007790, OMIM 145900.
Autosomal recessive Dejerine-Sottas syndrome. Also called: Autosomal recessive Dejerine-sottas neuropathy. Identifiers: MedGen CN069172.
Hereditary liability to pressure palsies (HNPP). Also called: POLYNEUROPATHY, FAMILIAL RECURRENT; TOMACULOUS NEUROPATHY; Hereditary Neuropathy with Liability to Pressure Palsies. Identifiers: Orphanet 640, MedGen C0393814, MONDO:0008087, OMIM 162500.

Allele frequency attached by ClinVar (database versions not stated): ExAC 0.00001.

Submissions (7):

First Genomix Gene Laboratory, Genetic Diagnostics Department
Classification: Pathogenic for Dejerine-Sottas disease. Last evaluated: 2025-12-28. Review status: criteria provided, single submitter. Criteria: ACMG Guidelines, 2015. Collection method: clinical testing. Allele origin: germline. Inheritance: Autosomal recessive inheritance. Affected: no. Observed: 1 variant allele.

Labcorp Genetics (formerly Invitae), Labcorp
Classification: Pathogenic for Charcot-Marie-Tooth disease, type I. Last evaluated: 2025-01-23. Review status: criteria provided, single submitter. Criteria: Invitae Variant Classification Sherloc (09022015). Collection method: clinical testing. Allele origin: germline.
Comment: This sequence change replaces arginine, which is basic and polar, with tryptophan, which is neutral and slightly polar, at codon 157 of the PMP22 protein (p.Arg157Trp). This variant is present in population databases (rs28936682, gnomAD 0.0009%). This missense change has been observed in individuals with autosomal recessive Dejerine-Sottas disease (PMID: 10211478, 32719652). It has also been observed to segregate with disease in related individuals. ClinVar contains an entry for this variant (Variation ID: 8444). Invitae Evidence Modeling of protein sequence and biophysical properties (such as structural, functional, and spatial information, amino acid conservation, physicochemical variation, residue mobility, and thermodynamic stability) indicates that this missense variant is expected to disrupt PMP22 protein function with a positive predictive value of 95%. For these reasons, this variant has been classified as Pathogenic.

Illumina Laboratory Services, Illumina
Classification: Pathogenic for Charcot-Marie-Tooth disease, type I. Last evaluated: 2024-11-22. Review status: criteria provided, single submitter. Criteria: ICSLVariantClassificationCriteria RUGD 01 April 2020. Collection method: clinical testing. Allele origin: unknown.
Comment: The PMP22 c.469C>T p.(Arg157Trp) missense variant has been identified in trans with a pathogenic variant in individuals with a phenotype consistent with Charcot-Marie-Tooth disease. This variant has been shown to segregate with disease (PMID: 10211478; 32719652). This variant is not observed at a significant frequency in version 4.1.0 of the Genome Aggregation Database. Multiple lines of computational evidence suggest the variant may impact the gene or gene product. This variant has been classified as likely pathogenic or pathogenic by multiple submitters in ClinVar. Based on the evidence, the c.469C>T p.(Arg157Trp) variant has been classified as pathogenic for Charcot-Marie-Tooth disease.

Baylor Genetics
Classification: Likely pathogenic for Hereditary liability to pressure palsies. Last evaluated: 2020-08-04. Review status: criteria provided, single submitter. Criteria: ACMG Guidelines, 2015. Collection method: clinical testing. Allele origin: de novo. Affected: yes.
Comment: This variant was determined to be likely pathogenic according to ACMG Guidelines, 2015 [PMID:25741868].

Molecular Genetics Laboratory, London Health Sciences Centre
Classification: Likely pathogenic for Charcot-Marie-Tooth disease. Review status: criteria provided, single submitter. Criteria: ACMG Guidelines, 2015. Collection method: clinical testing. Allele origin: germline. Affected: yes.

OMIM
Classification: Pathogenic for DEJERINE-SOTTAS SYNDROME, AUTOSOMAL RECESSIVE. Last evaluated: 1999-04-01. Review status: no assertion criteria provided. Collection method: literature only. Allele origin: germline. Not counted in ClinVar's aggregate classification.

GeneReviews
No classification provided. Condition: Charcot-Marie-Tooth disease type 1E. Review status: no classification provided. Collection method: literature only. Allele origin: germline. Affected: yes. Not counted in ClinVar's aggregate classification.

Literature cited by the submitters: PubMed 10211478 (cited by Labcorp Genetics (formerly Invitae), Labcorp and OMIM); PubMed 32719652 (cited by Labcorp Genetics (formerly Invitae), Labcorp); NCBI Bookshelf NBK1205 (cited by GeneReviews).